The following is an entry in ClinVar:

NM_001130009.3(GEN1):c.2540T>C (p.Ile847Thr)

Gene: GEN1 (GEN1 Holliday junction 5' flap endonuclease; plus strand). Cytogenetic location: 2p24.2.
Variant type: single nucleotide variant.
Coding change: c.2540T>C on transcript NM_001130009.3 (MANE Select); coding-DNA position 2540, T replaced by C.
Protein change: p.Ile847Thr; replaces isoleucine 847 with threonine.
Molecular consequence: missense variant.
Genome position (GRCh38, 1-based): chr2:17,781,752, T>C. VCF-style: chr2-17781752-T-C. GRCh37 (hg19) VCF-style: chr2-17963019-T-C.
Other names: c.2540T>C, p.Ile847Thr (NM_182625.5); short protein forms I847T.
Identifiers: ClinVar variation 3519778 (VCV003519778.1).

ClinVar aggregate classification (germline): Uncertain significance (1 of 4 stars; one submission).

gnomAD v4.1: 3 of 1,613,502 alleles (0.00019%); highest among the groups gnomAD compares: Non-Finnish European, 0.00025%; no homozygotes.

Submission:

Ambry Genetics
Classification: Uncertain significance. Last evaluated: 2024-12-08. Review status: criteria provided, single submitter. Criteria: Ambry Variant Classification Scheme 2023. Collection method: clinical testing. Allele origin: germline.
Comment: The p.I847T variant (also known as c.2540T>C), located in coding exon 13 of the GEN1 gene, results from a T to C substitution at nucleotide position 2540. The isoleucine at codon 847 is replaced by threonine, an amino acid with similar properties. This amino acid position is conserved. In addition, this alteration is predicted to be tolerated by in silico analysis. Based on the available evidence, the clinical significance of this variant remains unclear.